The following is an entry in ClinVar:

NM_017669.4(ERCC6L):c.1027G>C (p.Ala343Pro)

Genes: ERCC6L (ERCC excision repair 6 like DNA helicase; minus strand), PIN4 (peptidylprolyl cis/trans isomerase, NIMA-interacting 4; plus strand). Cytogenetic location: Xq13.1.
Variant type: single nucleotide variant.
Coding change: c.1027G>C on transcript NM_017669.4 (MANE Select); coding-DNA position 1027, G replaced by C.
Protein change: p.Ala343Pro; replaces alanine 343 with proline.
Molecular consequence: missense variant. On other transcripts: intron variant (1).
Genome position (GRCh38, 1-based): chrX:72,207,740, C>G on the plus strand (G>C on the coding strand, the complement: ERCC6L is on the minus strand). VCF-style: chrX-72207740-C-G. GRCh37 (hg19) VCF-style: chrX-71427590-C-G.
Other names: c.658G>C, p.Ala220Pro (NM_001009954.3); c.312+10836C>G (NM_001170747.1); short protein forms A220P, A343P.
Identifiers: ClinVar variation 2660909 (VCV002660909.22), dbSNP rs200073614, ClinGen allele CA10449651.

ClinVar aggregate classification (germline): Conflicting classifications of pathogenicity. Review status: criteria provided, conflicting classifications (1 of 4 stars). 2 submissions from 2 submitters: Uncertain significance (1); Likely benign (1). Last evaluated 2025-11-24.

Allele frequency attached by ClinVar (database versions not stated): TOPMed 0.00005; ESP Exome Variant Server 0.00009; gnomAD exomes 0.00009; ExAC 0.00006; gnomAD 0.00004.
gnomAD v4.1: 109 of 1,209,659 alleles (0.009%); highest among the groups gnomAD compares: Middle Eastern, 0.069%; no homozygotes.

Submissions (2):

Ambry Genetics
Classification: Uncertain significance. Last evaluated: 2025-11-24. Review status: criteria provided, single submitter. Criteria: Ambry Variant Classification Scheme 2023. Collection method: clinical testing. Allele origin: germline.

CeGaT Center for Human Genetics Tuebingen
Classification: Likely benign. Last evaluated: 2022-12-01. Review status: criteria provided, single submitter. Criteria: CeGaT Center For Human Genetics Tuebingen Variant Classification Criteria Version 2. Collection method: clinical testing. Allele origin: germline. Affected: yes. Observed: 1 variant allele.
Comment: ERCC6L: BP4, BS2; PIN4: BS2